The following is an entry in ClinVar:

NM_170606.3(KMT2C):c.9482G>T (p.Arg3161Met)

Gene: KMT2C (lysine methyltransferase 2C; minus strand). Cytogenetic location: 7q36.1.
Variant type: single nucleotide variant.
Coding change: c.9482G>T on transcript NM_170606.3 (MANE Select); coding-DNA position 9482, G replaced by T.
Protein change: p.Arg3161Met; replaces arginine 3161 with methionine.
Molecular consequence: missense variant.
Genome position (GRCh38, 1-based): chr7:152,169,221, C>A on the plus strand (G>T on the coding strand, the complement: KMT2C is on the minus strand). VCF-style: chr7-152169221-C-A. GRCh37 (hg19) VCF-style: chr7-151866306-C-A.
Other names: short protein forms R3161M.
Identifiers: ClinVar variation 2086929 (VCV002086929.4), dbSNP rs2487726966, ClinGen allele CA370107512.

ClinVar aggregate classification (germline): Uncertain significance (1 of 4 stars; one submission).

Submission:

Labcorp Genetics (formerly Invitae), Labcorp
Classification: Uncertain significance. Last evaluated: 2022-08-10. Review status: criteria provided, single submitter. Criteria: Invitae Variant Classification Sherloc (09022015). Collection method: clinical testing. Allele origin: germline.
Comment: In summary, the available evidence is currently insufficient to determine the role of this variant in disease. Therefore, it has been classified as a Variant of Uncertain Significance. Algorithms developed to predict the effect of missense changes on protein structure and function are either unavailable or do not agree on the potential impact of this missense change (SIFT: "Deleterious"; PolyPhen-2: "Probably Damaging"; Align-GVGD: "Class C0"). This variant has not been reported in the literature in individuals affected with KMT2C-related conditions. This variant is not present in population databases (gnomAD no frequency). This sequence change replaces arginine, which is basic and polar, with methionine, which is neutral and non-polar, at codon 3161 of the KMT2C protein (p.Arg3161Met).